The following is an entry in ClinVar:

NM_182914.3(SYNE2):c.13875C>T (p.Ser4625=)

Gene: SYNE2 (spectrin repeat containing nuclear envelope protein 2; plus strand). Cytogenetic location: 14q23.2.
Variant type: single nucleotide variant.
Coding change: c.13875C>T on transcript NM_182914.3 (MANE Select); coding-DNA position 13875, C replaced by T.
Protein change: p.Ser4625=; no amino-acid change (serine 4625 retained).
Molecular consequence: synonymous variant.
Genome position (GRCh38, 1-based): chr14:64,126,765, C>T. VCF-style: chr14-64126765-C-T. GRCh37 (hg19) VCF-style: chr14-64593483-C-T.
Other names: c.13875C>T, p.Ser4625= (NM_015180.6).
Identifiers: ClinVar variation 1402929 (VCV001402929.8), dbSNP rs762342233, ClinGen allele CA7222594.
Genomic context (GRCh38, chr14:64,126,765, plus strand): 5'-ATGTTTTGACAACCTTCAAGTCTGCCTGGAGCACACTCAGGCTGCAGCTGTCTGTAGAAG[C>T]AAGTCCCTGAAAGCTGGCCTCGATTACAACCGCAGTTACCAGGTATGATTCCGAGCACAC-3'
Protein context (NP_878918.2, residues 4615-4635): EHTQAAAVCR[Ser4625=]KSLKAGLDYN

ClinVar aggregate classification (germline): Uncertain significance (1 of 4 stars; one submission).

Conditions:
Emery-Dreifuss muscular dystrophy 5, autosomal dominant (EDMD5). Also called: EMERY-DREIFUSS MUSCULAR DYSTROPHY 5. Identifiers: Orphanet 261, MedGen C2751805, MONDO:0013072, OMIM 612999.

gnomAD v4.1: 16 of 1,613,820 alleles (0.00099%); highest among the groups gnomAD compares: Non-Finnish European, 0.0014%; no homozygotes.

Submission:

Labcorp Genetics (formerly Invitae), Labcorp
Classification: Uncertain significance for Emery-Dreifuss muscular dystrophy 5, autosomal dominant. Last evaluated: 2023-10-13. Review status: criteria provided, single submitter. Criteria: Invitae Variant Classification Sherloc (09022015). Collection method: clinical testing. Allele origin: germline.
Comment: This sequence change affects codon 4625 of the SYNE2 mRNA. It is a 'silent' change, meaning that it does not change the encoded amino acid sequence of the SYNE2 protein. This variant is present in population databases (rs762342233, gnomAD 0.002%). This variant has not been reported in the literature in individuals affected with SYNE2-related conditions. ClinVar contains an entry for this variant (Variation ID: 1402929). Algorithms developed to predict the effect of sequence changes on RNA splicing suggest that this variant may create or strengthen a splice site. In summary, the available evidence is currently insufficient to determine the role of this variant in disease. Therefore, it has been classified as a Variant of Uncertain Significance.